The following is an entry in ClinVar:

ClinVar aggregate classification (germline): Uncertain significance (1 of 4 stars; one submission).

Submission:

Labcorp Genetics (formerly Invitae), Labcorp
Classification: Uncertain significance. Last evaluated: 2024-10-08. Review status: criteria provided, single submitter. Criteria: Invitae Variant Classification Sherloc (09022015). Collection method: clinical testing. Allele origin: germline.
Comment: This sequence change replaces lysine, which is basic and polar, with asparagine, which is neutral and polar, at codon 1736 of the EYS protein (p.Lys1736Asn). This variant is not present in population databases (gnomAD no frequency). This variant has not been reported in the literature in individuals affected with EYS-related conditions. ClinVar contains an entry for this variant (Variation ID: 1399261). Invitae Evidence Modeling of protein sequence and biophysical properties (such as structural, functional, and spatial information, amino acid conservation, physicochemical variation, residue mobility, and thermodynamic stability) has been performed for this missense variant. However, the output from this modeling did not meet the statistical confidence thresholds required to predict the impact of this variant on EYS protein function. In summary, the available evidence is currently insufficient to determine the role of this variant in disease. Therefore, it has been classified as a Variant of Uncertain Significance.

NM_001142800.2(EYS):c.5208A>T (p.Lys1736Asn)

Gene: EYS (EGF-like photoreceptor maintenance factor; minus strand). Cytogenetic location: 6q12.
Variant type: single nucleotide variant.
Coding change: c.5208A>T on transcript NM_001142800.2 (MANE Select); coding-DNA position 5208, A replaced by T.
Protein change: p.Lys1736Asn; replaces lysine 1736 with asparagine.
Molecular consequence: missense variant.
Genome position (GRCh38, 1-based): chr6:64,590,659, T>A on the plus strand (A>T on the coding strand, the complement: EYS is on the minus strand). VCF-style: chr6-64590659-T-A. GRCh37 (hg19) VCF-style: chr6-65300552-T-A.
Other names: c.5208A>T, p.Lys1736Asn (NM_001292009.2); short protein forms K1736N.
Identifiers: ClinVar variation 1399261 (VCV001399261.6), dbSNP rs973977663, ClinGen allele CA364781605.
Genomic context (GRCh38, chr6:64,590,659, plus strand): 5'-AACATCCGGATAAATTTGTAAGTTTAACTCAAAATCCAGAGAACTATCACTTGGGTGAAG[T>A]TTGAACAGTGTATGAGATCCTTTACTTTTTTCCATGTCCAATAAGCTCTCTTGATTTAGT-3'
Protein context (NP_001136272.1, residues 1726-1746): EKSKGSHTLF[Lys1736Asn]LHPSDSSLDF